The following is an entry in ClinVar:

ClinVar aggregate classification (germline): Benign (1 of 4 stars; one submission).

Allele frequency attached by ClinVar (database versions not stated): 1000 Genomes Project 30x 0.00031.
gnomAD v4.1: 2,367 of 1,541,114 alleles (0.15%); highest among the groups gnomAD compares: Non-Finnish European, 0.17%; 5 homozygotes.

Submission:

CeGaT Center for Human Genetics Tuebingen
Classification: Benign. Last evaluated: 2022-04-01. Review status: criteria provided, single submitter. Criteria: CeGaT Center For Human Genetics Tuebingen Variant Classification Criteria Version 2. Collection method: clinical testing. Allele origin: germline. Affected: yes. Observed: 1 variant allele.
Comment: AKT1: BS1, BS2

NM_001382430.1(AKT1):c.1260+66C>A

Gene: AKT1 (AKT serine/threonine kinase 1; minus strand). Cytogenetic location: 14q32.33.
Variant type: single nucleotide variant.
Coding change: c.1260+66C>A on transcript NM_001382430.1 (MANE Select); 66 bases into the intron after coding-DNA position 1260, C replaced by A.
Molecular consequence: intron variant.
Genome position (GRCh38, 1-based): chr14:104,772,299, G>T on the plus strand (C>A on the coding strand, the complement: AKT1 is on the minus strand). VCF-style: chr14-104772299-G-T. GRCh37 (hg19) VCF-style: chr14-105238636-G-T.
Other names: c.1260+66C>A (NM_001014431.2, NM_001014432.2, NM_001382433.1 and 3 more transcripts).
Identifiers: ClinVar variation 2644621 (VCV002644621.24), dbSNP rs17846832, ClinGen allele CA267348705.